The following is an entry in ClinVar:

NM_001205293.3(CACNA1E):c.3541G>C (p.Glu1181Gln)

Gene: CACNA1E (calcium voltage-gated channel subunit alpha1 E; plus strand). Cytogenetic location: 1q25.3.
Variant type: single nucleotide variant.
Coding change: c.3541G>C on transcript NM_001205293.3 (MANE Select); coding-DNA position 3541, G replaced by C.
Protein change: p.Glu1181Gln; replaces glutamic acid 1181 with glutamine.
Molecular consequence: missense variant.
Genome position (GRCh38, 1-based): chr1:181,737,643, G>C. VCF-style: chr1-181737643-G-C. GRCh37 (hg19) VCF-style: chr1-181706779-G-C.
Other names: c.3541G>C, p.Glu1181Gln (NM_000721.4); c.3484G>C, p.Glu1162Gln (NM_001205294.2); short protein forms E1181Q, E1162Q.
Identifiers: ClinVar variation 3688880 (VCV003688880.2).

ClinVar aggregate classification (germline): Uncertain significance (1 of 4 stars; one submission).

gnomAD v4.1: 2 of 1,613,846 alleles (0.00012%); highest among the groups gnomAD compares: Non-Finnish European, 0.00017%; no homozygotes.

Submission:

Labcorp Genetics (formerly Invitae), Labcorp
Classification: Uncertain significance. Last evaluated: 2024-03-11. Review status: criteria provided, single submitter. Criteria: Invitae Variant Classification Sherloc (09022015). Collection method: clinical testing. Allele origin: germline.
Comment: This sequence change replaces glutamic acid, which is acidic and polar, with glutamine, which is neutral and polar, at codon 1181 of the CACNA1E protein (p.Glu1181Gln). This variant is not present in population databases (gnomAD no frequency). This variant has not been reported in the literature in individuals affected with CACNA1E-related conditions. Advanced modeling of protein sequence and biophysical properties (such as structural, functional, and spatial information, amino acid conservation, physicochemical variation, residue mobility, and thermodynamic stability) has been performed at Invitae for this missense variant, however the output from this modeling did not meet the statistical confidence thresholds required to predict the impact of this variant on CACNA1E protein function. In summary, the available evidence is currently insufficient to determine the role of this variant in disease. Therefore, it has been classified as a Variant of Uncertain Significance.